The following is an entry in ClinVar:

ClinVar aggregate classification (germline): Benign/Likely benign. Review status: criteria provided, multiple submitters, no conflicts (2 of 4 stars). 4 submissions from 4 submitters: Benign (1); Likely benign (2). 1 of the submissions does not count toward it. Last evaluated 2026-07-01.

Conditions:
BMP6-related disorder. Also called: BMP6-related condition.

Allele frequency attached by ClinVar (database versions not stated): 1000 Genomes Project 30x 0.00203; ESP Exome Variant Server 0.00211; 1000 Genomes Project 0.00220; gnomAD 0.00268; gnomAD exomes 0.00276 and 0.00287; TOPMed 0.00308; ExAC 0.00318.
gnomAD v4.1: 4,435 of 1,604,622 alleles (0.28%); highest among the groups gnomAD compares: Middle Eastern, 0.5%; 10 homozygotes.

Submissions (4):

CeGaT Center for Human Genetics Tuebingen
Classification: Likely benign. Last evaluated: 2026-07-01. Review status: criteria provided, single submitter. Criteria: CeGaT Center For Human Genetics Tuebingen Variant Classification Criteria Version 2. Collection method: clinical testing. Allele origin: germline. Affected: yes. Observed: 4 variant alleles.
Comment: BMP6: BP4, BP7

Blueprint Genetics
Classification: Likely benign. Last evaluated: 2024-11-17. Review status: criteria provided, single submitter. Criteria: ACMG Guidelines, 2015. Collection method: clinical testing. Allele origin: germline.

Labcorp Genetics (formerly Invitae), Labcorp
Classification: Benign. Last evaluated: 2018-03-29. Review status: criteria provided, single submitter. Criteria: Invitae Variant Classification Sherloc (09022015). Collection method: clinical testing. Allele origin: germline.

PreventionGenetics, part of Exact Sciences
Classification: Likely benign for BMP6-related condition. Last evaluated: 2019-02-28. Review status: no assertion criteria provided. Collection method: clinical testing. Allele origin: germline. Not counted in ClinVar's aggregate classification.
Comment: This variant is classified as likely benign based on ACMG/AMP sequence variant interpretation guidelines (Richards et al. 2015 PMID: 25741868, with internal and published modifications).

NM_001718.6(BMP6):c.480C>T (p.Ser160=)

Gene: BMP6 (bone morphogenetic protein 6; plus strand). Cytogenetic location: 6p24.3.
Variant type: single nucleotide variant.
Coding change: c.480C>T on transcript NM_001718.6 (MANE Select); coding-DNA position 480, C replaced by T.
Protein change: p.Ser160=; no amino-acid change (serine 160 retained).
Molecular consequence: synonymous variant.
Genome position (GRCh38, 1-based): chr6:7,727,435, C>T. VCF-style: chr6-7727435-C-T. GRCh37 (hg19) VCF-style: chr6-7727668-C-T.
Identifiers: ClinVar variation 788354 (VCV000788354.29), dbSNP rs138813685, ClinGen allele CA3628587.